The following is an entry in ClinVar:

NM_001318525.2(TRAPPC2L):c.207-45C>T

Gene: TRAPPC2L (trafficking protein particle complex subunit 2L; plus strand). Cytogenetic location: 16q24.3.
Variant type: single nucleotide variant.
Coding change: c.207-45C>T on transcript NM_001318525.2 (MANE Select); 45 bases into the intron before coding-DNA position 207, C replaced by T.
Molecular consequence: intron variant. On other transcripts: synonymous variant (4), non-coding transcript variant (2).
Genome position (GRCh38, 1-based): chr16:88,859,618, C>T. VCF-style: chr16-88859618-C-T. GRCh37 (hg19) VCF-style: chr16-88926026-C-T.
Other names: c.132C>T, p.Thr44= (NM_001318526.2); c.69C>T, p.Thr23= (NM_001318527.2, NM_001318529.2, NM_001318532.2); c.207-45C>T (NM_001318524.2, NM_016209.5); c.117-45C>T (NM_001318528.2, NM_001318530.2).
Identifiers: ClinVar variation 3059827 (VCV003059827.2), dbSNP rs3826063, ClinGen allele CA8235607.
Genomic context (GRCh38, chr16:88,859,618, plus strand): 5'-TTCCTGTGATTCAAGGTTGCCACATTTCTCCAAAGTGAGGGCCCACAGAGGGCCCTCCAC[C>T]GGCAGTCCCTGTGTTACGAGTGCCTTCCCTAACCAGCTGTGCAGATACGGCTACGTCACC-3'

ClinVar aggregate classification (germline): Benign (0 of 4 stars; one submission).

Conditions:
TRAPPC2L-related disorder. Also called: TRAPPC2L-related condition.

Allele frequency attached by ClinVar (database versions not stated): 1000 Genomes Project 30x 0.01124; 1000 Genomes Project 0.01258; ESP Exome Variant Server 0.01931; ExAC 0.02133.
gnomAD v4.1: 39,305 of 1,572,038 alleles (2.5%); highest among the groups gnomAD compares: Non-Finnish European, 2.8%; 560 homozygotes.

Submission:

PreventionGenetics, part of Exact Sciences
Classification: Benign for TRAPPC2L-related condition. Last evaluated: 2019-05-21. Review status: no assertion criteria provided. Collection method: clinical testing. Allele origin: germline.
Comment: This variant is classified as benign based on ACMG/AMP sequence variant interpretation guidelines (Richards et al. 2015 PMID: 25741868, with internal and published modifications).